The following is an entry in ClinVar:

ClinVar aggregate classification (germline): Pathogenic/Likely pathogenic. Review status: criteria provided, multiple submitters, no conflicts (2 of 4 stars). 4 submissions from 4 submitters: Pathogenic (2); Likely pathogenic (1). 1 of the submissions does not count toward it. Last evaluated 2025-08-18.

Conditions:
Usher syndrome type 1 (USH1). Also called: RETINITIS PIGMENTOSA AND CONGENITAL DEAFNESS. Identifiers: Orphanet 231169, Orphanet 886, MedGen C1568247, MONDO:0010168, OMIM 276900.
Usher syndrome type 1B (USH1B). Also called: Usher syndrome type IB. Identifiers: MedGen C1848638, MONDO:0700087.
Autosomal dominant nonsyndromic hearing loss 11. Identifiers: Orphanet 90635, MedGen C1832475, MONDO:0011032, OMIM 601317.
Autosomal recessive nonsyndromic hearing loss 2. Also called: DEAFNESS, AUTOSOMAL RECESSIVE 2; NEUROSENSORY NONSYNDROMIC RECESSIVE DEAFNESS 2. Identifiers: Orphanet 90636, MedGen C1838701, MONDO:0010807, OMIM 600060.

Allele frequency attached by ClinVar (database versions not stated): gnomAD 0.00001; TOPMed 0.00001.
gnomAD v4.1: 1 of 1,613,850 alleles (0.000062%); highest among the groups gnomAD compares: Non-Finnish European, 0.000085%; no homozygotes.

Submissions (4):

Myriad Genetics, Inc.
Classification: Pathogenic for Usher syndrome type 1. Last evaluated: 2025-08-18. Review status: criteria provided, single submitter. Criteria: Myriad Autosomal Dominant, Autosomal Recessive and X-Linked Classification Criteria (2023). Collection method: clinical testing. Allele origin: unknown.
Comment: NM_000260.3(MYO7A):c.541C>T(Q181*) is expected to be pathogenic in the context of MYO7A-related disorders. This variant is predicted to lead to an abnormal or absent protein product due to the creation of a premature termination codon in MYO7A, a gene where loss-of-function variants are known to be pathogenic. Please note: this variant was assessed in the context of healthy population screening.

Labcorp Genetics (formerly Invitae), Labcorp
Classification: Pathogenic. Last evaluated: 2023-05-24. Review status: criteria provided, single submitter. Criteria: Invitae Variant Classification Sherloc (09022015). Collection method: clinical testing. Allele origin: germline.
Comment: For these reasons, this variant has been classified as Pathogenic. This premature translational stop signal has been observed in individual(s) with clinical features of MYO7A-related conditions (PMID: 33724713). This variant is not present in population databases (gnomAD no frequency). This sequence change creates a premature translational stop signal (p.Gln181*) in the MYO7A gene. It is expected to result in an absent or disrupted protein product. Loss-of-function variants in MYO7A are known to be pathogenic (PMID: 8900236, 25404053).

Juno Genomics, Hangzhou Juno Genomics, Inc
Classification: Likely pathogenic for Autosomal dominant nonsyndromic hearing loss 11; Autosomal recessive nonsyndromic hearing loss 2; Usher syndrome type 1. Review status: criteria provided, single submitter. Criteria: ACMG Guidelines, 2015. Collection method: clinical testing. Allele origin: germline.
Comment: Null variant in a gene where loss of function (LOF) is a known mechanism of disease.;Absent from controls (or at extremely low frequency if recessive) in Genome Aggregation Database.

Key Research Laboratory of Chronic Disease Prevention and Treatment Mechanism of Integrated Traditional Chinese and Western Medicine, Changchun University of Chinese Medicine
Classification: Pathogenic for Usher syndrome type IB. Last evaluated: 2018-01-15. Review status: no assertion criteria provided. Collection method: clinical testing. Allele origin: maternal. Affected: yes. Not counted in ClinVar's aggregate classification.

Literature cited by the submitters: PubMed 33724713 (cited by Labcorp Genetics (formerly Invitae), Labcorp); PubMed 8900236 (cited by Labcorp Genetics (formerly Invitae), Labcorp); PubMed 25404053 (cited by Labcorp Genetics (formerly Invitae), Labcorp).

NM_000260.4(MYO7A):c.541C>T (p.Gln181Ter)

Gene: MYO7A (myosin VIIA; plus strand). Cytogenetic location: 11q13.5.
Variant type: single nucleotide variant.
Coding change: c.541C>T on transcript NM_000260.4 (MANE Select); coding-DNA position 541, C replaced by T.
Protein change: p.Gln181Ter; replaces glutamine 181 with a stop codon.
Molecular consequence: nonsense.
Genome position (GRCh38, 1-based): chr11:77,156,730, C>T. VCF-style: chr11-77156730-C-T. GRCh37 (hg19) VCF-style: chr11-76867776-C-T.
Other names: c.541C>T, p.Gln181Ter (NM_001127180.2); c.508C>T, p.Gln170Ter (NM_001369365.1); short protein forms Q170*, Q181*.
Identifiers: ClinVar variation 2575104 (VCV002575104.7), dbSNP rs1453718975, ClinGen allele CA381931885.